The following is an entry in ClinVar:

ClinVar aggregate classification (germline): Uncertain significance. Review status: criteria provided, multiple submitters, no conflicts (2 of 4 stars). 3 submissions from 3 submitters: Uncertain significance (3). Last evaluated 2025-12-23.

Conditions:
Cardiovascular phenotype. Identifiers: MedGen CN230736.

Allele frequency attached by ClinVar (database versions not stated): ESP Exome Variant Server 0.00015.
gnomAD v4.1: 210 of 1,614,024 alleles (0.013%); highest among the groups gnomAD compares: African/African-American, 0.017%; no homozygotes.

Submissions (3):

Labcorp Genetics (formerly Invitae), Labcorp
Classification: Uncertain significance. Last evaluated: 2025-12-23. Review status: criteria provided, single submitter. Criteria: Invitae Variant Classification Sherloc (09022015). Collection method: clinical testing. Allele origin: germline.
Comment: This sequence change replaces threonine, which is neutral and polar, with methionine, which is neutral and non-polar, at codon 1643 of the ALPK3 protein (p.Thr1643Met). This variant is present in population databases (rs141398841, gnomAD 0.03%). This variant has not been reported in the literature in individuals affected with ALPK3-related conditions. ClinVar contains an entry for this variant (Variation ID: 1444327). Invitae Evidence Modeling of protein sequence and biophysical properties (such as structural, functional, and spatial information, amino acid conservation, physicochemical variation, residue mobility, and thermodynamic stability) indicates that this missense variant is not expected to disrupt ALPK3 protein function with a negative predictive value of 80%. In summary, the available evidence is currently insufficient to determine the role of this variant in disease. Therefore, it has been classified as a Variant of Uncertain Significance.

Ambry Genetics
Classification: Uncertain significance for Cardiovascular phenotype. Last evaluated: 2025-12-12. Review status: criteria provided, single submitter. Criteria: Ambry Variant Classification Scheme 2023. Collection method: clinical testing. Allele origin: germline.
Comment: The p.T1643M variant (also known as c.4928C>T), located in coding exon 10 of the ALPK3 gene, results from a C to T substitution at nucleotide position 4928. The threonine at codon 1643 is replaced by methionine, an amino acid with similar properties. This amino acid position is highly conserved in available vertebrate species. In addition, this alteration is predicted to be tolerated by in silico analysis. Based on the available evidence, the clinical significance of this variant remains unclear.

GeneDx
Classification: Uncertain significance. Last evaluated: 2025-11-18. Review status: criteria provided, single submitter. Criteria: GeneDx Variant Classification Process June 2021. Collection method: clinical testing. Allele origin: germline.
Comment: Has been reported as a de novo variant in an individual with non-syndromic metopic craniosynostosis (PMID: 28808027); In silico analysis supports that this missense variant has a deleterious effect on protein structure/function; This variant is associated with the following publications: (PMID: 28808027)

Literature cited by the submitters: PubMed 28808027 (cited by Ambry Genetics); PubMed 33874732 (cited by Ambry Genetics).

NM_020778.5(ALPK3):c.4322C>T (p.Thr1441Met)

Gene: ALPK3 (alpha kinase 3; plus strand). Cytogenetic location: 15q25.3.
Variant type: single nucleotide variant.
Coding change: c.4322C>T on transcript NM_020778.5 (MANE Select); coding-DNA position 4322, C replaced by T.
Protein change: p.Thr1441Met; replaces threonine 1441 with methionine.
Molecular consequence: missense variant.
Genome position (GRCh38, 1-based): chr15:84,862,827, C>T. VCF-style: chr15-84862827-C-T. GRCh37 (hg19) VCF-style: chr15-85406058-C-T.
Other names: short protein forms T1441M.
Identifiers: ClinVar variation 1444327 (VCV001444327.11), dbSNP rs141398841, ClinGen allele CA7709929.
Genomic context (GRCh38, chr15:84,862,827, plus strand): 5'-GGAAGGCCTCCCAGGCCAAGGTCATCTACGGGCTGGAACCCATCTTCGAGTCGGGCCGCA[C>T]GTGCATCATCAAGGTGTCCAGCCTGCTTGTGTTTGGGCCCAGCAGTGAGACTTCTCTTGT-3'
Protein context (NP_065829.4, residues 1431-1451): GLEPIFESGR[Thr1441Met]CIIKVSSLLV